The following is an entry in ClinVar:

ClinVar aggregate classification (germline): Uncertain significance (1 of 4 stars; one submission).

Conditions:
Inborn genetic diseases. Identifiers: MedGen C0950123, MeSH D030342.

Allele frequency attached by ClinVar (database versions not stated): gnomAD exomes below 0.00001.

Submission:

Ambry Genetics
Classification: Uncertain significance for Inborn genetic diseases. Last evaluated: 2017-09-25. Review status: criteria provided, single submitter. Criteria: Ambry Variant Classification Scheme 2023. Collection method: clinical testing. Allele origin: germline.
Comment: The p.V474L variant (also known as c.1420G>T), located in coding exon 15 of the PNKP gene, results from a G to T substitution at nucleotide position 1420. The valine at codon 474 is replaced by leucine, an amino acid with highly similar properties. This amino acid position is highly conserved in available vertebrate species. In addition, this alteration is predicted to be tolerated by in silico analysis. Since supporting evidence is limited at this time, the clinical significance of this alteration remains unclear.

NM_007254.4(PNKP):c.1420G>T (p.Val474Leu)

Gene: PNKP (polynucleotide kinase 3'-phosphatase; minus strand). Cytogenetic location: 19q13.33.
Variant type: single nucleotide variant.
Coding change: c.1420G>T on transcript NM_007254.4 (MANE Select); coding-DNA position 1420, G replaced by T.
Protein change: p.Val474Leu; replaces valine 474 with leucine.
Molecular consequence: missense variant.
Genome position (GRCh38, 1-based): chr19:49,861,477, C>A on the plus strand (G>T on the coding strand, the complement: PNKP is on the minus strand). VCF-style: chr19-49861477-C-A. GRCh37 (hg19) VCF-style: chr19-50364734-C-A.
Other names: short protein forms V474L.
Identifiers: ClinVar variation 1772258 (VCV001772258.2), dbSNP rs575935955, ClinGen allele CA406932794.
Genomic context (GRCh38, chr19:49,861,477, plus strand): 5'-GTGCCCCTGCCCCCTGCTATCCCCAACAGTACCTGTAGCCATACATGACCATGTCTGACA[C>A]GGGGATATGAGAGGAGTCCGTCATCTCTCGAAACTGTGGGGAACATCAGAGGGGCGGCAG-3'
Protein context (NP_009185.2, residues 464-484): REMTDSSHIP[Val474Leu]SDMVMYGYRK